The following is an entry in ClinVar:

NM_000642.3(AGL):c.4261G>A (p.Asp1421Asn)

Gene: AGL (amylo-alpha-1,6-glucosidase and 4-alpha-glucanotransferase; plus strand). Cytogenetic location: 1p21.2.
Variant type: single nucleotide variant.
Coding change: c.4261G>A on transcript NM_000642.3 (MANE Select); coding-DNA position 4261, G replaced by A.
Protein change: p.Asp1421Asn; replaces aspartic acid 1421 with asparagine.
Molecular consequence: missense variant.
Genome position (GRCh38, 1-based): chr1:99,916,411, G>A. VCF-style: chr1-99916411-G-A. GRCh37 (hg19) VCF-style: chr1-100381967-G-A.
Other names: c.4261G>A, p.Asp1421Asn (NM_000028.3, NM_000643.3, NM_000644.3 and 1 more transcripts); c.4213G>A, p.Asp1405Asn (NM_000646.3); c.4240G>A, p.Asp1414Asn (NM_001425326.1); c.4060G>A, p.Asp1354Asn (NM_001425327.1); c.4057G>A, p.Asp1353Asn (NM_001425328.1); c.3922G>A, p.Asp1308Asn (NM_001425329.1); c.3883G>A, p.Asp1295Asn (NM_001425332.1); short protein forms D1421N, D1405N, D1295N, D1308N, D1353N, D1354N, D1414N.
Identifiers: ClinVar variation 953103 (VCV000953103.11), dbSNP rs750525703, ClinGen allele CA341342164.

ClinVar aggregate classification (germline): Uncertain significance. Review status: criteria provided, single submitter (1 of 4 stars). 2 submissions from 2 submitters: Uncertain significance (1). 1 of the submissions does not count toward it. Last evaluated 2019-11-10.

Conditions:
Glycogen storage disease type III (GSD3). Also called: Cori disease; FORBES DISEASE. Identifiers: Orphanet 366, MedGen C0017922, MONDO:0009291, OMIM 232400.

Submissions (2):

Labcorp Genetics (formerly Invitae), Labcorp
Classification: Uncertain significance for Glycogen storage disease type III. Last evaluated: 2019-11-10. Review status: criteria provided, single submitter. Criteria: Invitae Variant Classification Sherloc (09022015). Collection method: clinical testing. Allele origin: germline.
Comment: In summary, the available evidence is currently insufficient to determine the role of this variant in disease. Therefore, it has been classified as a Variant of Uncertain Significance. Algorithms developed to predict the effect of missense changes on protein structure and function are either unavailable or do not agree on the potential impact of this missense change (SIFT: "Deleterious"; PolyPhen-2: "Probably Damaging"; Align-GVGD: "Class C15"). This variant has not been reported in the literature in individuals with AGL-related conditions. This variant is not present in population databases (ExAC no frequency). This sequence change replaces aspartic acid with asparagine at codon 1421 of the AGL protein (p.Asp1421Asn). The aspartic acid residue is highly conserved and there is a small physicochemical difference between aspartic acid and asparagine.

Natera, Inc.
Classification: Uncertain significance for Glycogen storage disease type III. Last evaluated: 2021-01-07. Review status: no assertion criteria provided. Collection method: clinical testing. Allele origin: germline. Not counted in ClinVar's aggregate classification.